The following is an entry in ClinVar:

NM_000554.6(CRX):c.*6G>A

Gene: CRX (cone-rod homeobox; plus strand). Cytogenetic location: 19q13.33.
Variant type: single nucleotide variant.
Coding change: c.*6G>A on transcript NM_000554.6 (MANE Select); 6 bases downstream of the stop codon, G replaced by A.
Molecular consequence: 3 prime UTR variant.
Genome position (GRCh38, 1-based): chr19:47,839,973, G>A. VCF-style: chr19-47839973-G-A. GRCh37 (hg19) VCF-style: chr19-48343230-G-A.
Identifiers: ClinVar variation 329700 (VCV000329700.6), dbSNP rs375770558, ClinGen allele CA9544590.

ClinVar aggregate classification (germline): Conflicting classifications of pathogenicity. Review status: criteria provided, conflicting classifications (1 of 4 stars). 4 submissions from 2 submitters: Uncertain significance (2); Likely benign (2). Last evaluated 2021-10-19.

Conditions:
Retinitis pigmentosa (RP). Identifiers: Orphanet 791, MedGen C0035334, MeSH D012174, MONDO:0019200, OMIM 268000. Inheritance: Autosomal dominant, autosomal recessive and X linked inheritance.
Cone-rod dystrophy 2 (CORD2). Also called: CONE-ROD RETINAL DYSTROPHY; Cone-rod retinal dystrophy 2. Identifiers: Orphanet 1872, MedGen C3489532, MONDO:0007362, OMIM 120970.
Leber congenital amaurosis 7 (LCA7). Identifiers: Orphanet 65, MedGen C3151192, MONDO:0013449, OMIM 613829.

Allele frequency attached by ClinVar (database versions not stated): gnomAD 0.00013; ExAC 0.00014; TOPMed 0.00014; ESP Exome Variant Server 0.00016; gnomAD exomes 0.00021.
gnomAD v4.1: 174 of 1,612,534 alleles (0.011%); highest among the groups gnomAD compares: Non-Finnish European, 0.0024%; 1 homozygote.

Submissions (4):

Blueprint Genetics
Classification: Likely benign. Last evaluated: 2021-10-19. Review status: criteria provided, single submitter. Criteria: ACMG Guidelines, 2015. Collection method: clinical testing. Allele origin: germline.

Illumina Laboratory Services, Illumina
Classification: Uncertain significance for Retinitis pigmentosa. Last evaluated: 2018-01-12. Review status: criteria provided, single submitter. Criteria: ICSL Variant Classification Criteria 13 December 2019. Collection method: clinical testing. Allele origin: germline.

Illumina Laboratory Services, Illumina
Classification: Likely benign for Cone-rod dystrophy 2. Last evaluated: 2018-01-12. Review status: criteria provided, single submitter. Criteria: ICSL Variant Classification Criteria 13 December 2019. Collection method: clinical testing. Allele origin: germline.
Comment: This variant was observed in the ICSL laboratory as part of a predisposition screen in an ostensibly healthy population. It had not been previously curated by ICSL or reported in the Human Gene Mutation Database (HGMD: prior to June 1st, 2018), and was therefore a candidate for classification through an automated scoring system. Utilizing variant allele frequency, disease prevalence and penetrance estimates, and inheritance mode, an automated score was calculated to assess if this variant is too frequent to cause the disease. Based on the score and internal cut-off values, a variant classified as likely benign is not then subjected to further curation. The score for this variant resulted in a classification of likely benign for this disease.

Illumina Laboratory Services, Illumina
Classification: Uncertain significance for Leber congenital amaurosis 7. Last evaluated: 2018-01-12. Review status: criteria provided, single submitter. Criteria: ICSL Variant Classification Criteria 13 December 2019. Collection method: clinical testing. Allele origin: germline.